The following is an entry in ClinVar:

ClinVar aggregate classification (germline): Uncertain significance (1 of 4 stars; one submission).

Conditions:
KDM4B-related disorder. Also called: KDM4B-related condition.

Submission:

PreventionGenetics, part of Exact Sciences
Classification: Uncertain significance for KDM4B-related condition. Last evaluated: 2025-01-15. Review status: criteria provided, single submitter. Criteria: ACMG Guidelines, 2015. Collection method: clinical testing. Allele origin: germline.
Comment: The KDM4B c.656G>T variant is predicted to result in the amino acid substitution p.Arg219Leu. To our knowledge, this variant has not been reported in the literature or in a large population database (gnomAD), indicating this variant is rare. Although we suspect that this variant may be pathogenic, at this time, the clinical significance of this variant is uncertain due to the absence of conclusive functional and genetic evidence.

NM_015015.3(KDM4B):c.656G>T (p.Arg219Leu)

Gene: KDM4B (lysine demethylase 4B; plus strand). Cytogenetic location: 19p13.3.
Variant type: single nucleotide variant.
Coding change: c.656G>T on transcript NM_015015.3 (MANE Select); coding-DNA position 656, G replaced by T.
Protein change: p.Arg219Leu; replaces arginine 219 with leucine.
Molecular consequence: missense variant.
Genome position (GRCh38, 1-based): chr19:5,071,039, G>T. VCF-style: chr19-5071039-G-T. GRCh37 (hg19) VCF-style: chr19-5071050-G-T.
Other names: c.656G>T, p.Arg219Leu (NM_001370093.1, NM_001370094.1, NM_001411148.1); short protein forms R219L.
Identifiers: ClinVar variation 5000321 (VCV005000321.1).